The following is an entry in ClinVar:

NM_001015877.2(PHF6):c.834+39G>A

Gene: PHF6 (PHD finger protein 6; plus strand). Cytogenetic location: Xq26.2.
Variant type: single nucleotide variant.
Coding change: c.834+39G>A on transcript NM_001015877.2 (MANE Select); 39 bases into the intron after coding-DNA position 834, G replaced by A.
Molecular consequence: intron variant. On other transcripts: synonymous variant (1).
Genome position (GRCh38, 1-based): chrX:134,415,159, G>A. VCF-style: chrX-134415159-G-A. GRCh37 (hg19) VCF-style: chrX-133549189-G-A.
Other names: c.876G>A, p.Leu292= (NM_032335.3); c.834+39G>A (NM_032458.3).
Identifiers: ClinVar variation 4952972 (VCV004952972.2).

ClinVar aggregate classification (germline): Likely benign. Review status: criteria provided, multiple submitters, no conflicts (2 of 4 stars). 2 submissions from 2 submitters: Likely benign (2). Last evaluated 2026-03-23.

Conditions:
PHF6-related disorder. Also called: PHF6-related condition.

gnomAD v4.1: 6 of 1,205,504 alleles (0.0005%); highest among the groups gnomAD compares: Non-Finnish European, 0.00045%; no homozygotes.

Submissions (2):

PreventionGenetics, part of Exact Sciences
Classification: Likely benign for PHF6-related condition. Last evaluated: 2026-03-23. Review status: criteria provided, single submitter. Criteria: ACMG Guidelines, 2015. Collection method: clinical testing. Allele origin: germline.
Comment: This variant is classified as likely benign based on ACMG/AMP sequence variant interpretation guidelines (Richards et al. 2015 PMID: 25741868, with internal and published modifications).

Blueprint Genetics
Classification: Likely benign. Last evaluated: 2024-07-26. Review status: criteria provided, single submitter. Criteria: ACMG Guidelines, 2015. Collection method: clinical testing. Allele origin: germline.